The following is an entry in ClinVar:

NM_199242.3(UNC13D):c.1369C>A (p.Leu457Met)

Gene: UNC13D (unc-13 homolog D; minus strand). Cytogenetic location: 17q25.1.
Variant type: single nucleotide variant.
Coding change: c.1369C>A on transcript NM_199242.3 (MANE Select); coding-DNA position 1369, C replaced by A.
Protein change: p.Leu457Met; replaces leucine 457 with methionine.
Molecular consequence: missense variant.
Genome position (GRCh38, 1-based): chr17:75,836,359, G>T on the plus strand (C>A on the coding strand, the complement: UNC13D is on the minus strand). VCF-style: chr17-75836359-G-T. GRCh37 (hg19) VCF-style: chr17-73832440-G-T.
Other names: short protein forms L457M.
Identifiers: ClinVar variation 889282 (VCV000889282.11), dbSNP rs556930184, ClinGen allele CA8773013.

ClinVar aggregate classification (germline): Uncertain significance. Review status: criteria provided, multiple submitters, no conflicts (2 of 4 stars). 2 submissions from 2 submitters: Uncertain significance (2). Last evaluated 2026-01-19.

Conditions:
Familial hemophagocytic lymphohistiocytosis 3 (FHL3). Also called: UNC13D-Related Familial Hemophagocytic Lymphohistiocytosis (UNC13D-fHLH). Identifiers: Orphanet 540, MedGen C1837174, MONDO:0012146, OMIM 608898.

Allele frequency attached by ClinVar (database versions not stated): ExAC 0.00002; gnomAD 0.00002 and 0.00003; gnomAD exomes 0.00002 and 0.00004; TOPMed 0.00002; 1000 Genomes Project 30x 0.00016; 1000 Genomes Project 0.00020.

Submissions (2):

Labcorp Genetics (formerly Invitae), Labcorp
Classification: Uncertain significance for Familial hemophagocytic lymphohistiocytosis 3. Last evaluated: 2026-01-19. Review status: criteria provided, single submitter. Criteria: Invitae Variant Classification Sherloc (09022015). Collection method: clinical testing. Allele origin: germline.
Comment: This sequence change replaces leucine, which is neutral and non-polar, with methionine, which is neutral and non-polar, at codon 457 of the UNC13D protein (p.Leu457Met). The frequency data for this variant in the population databases is considered unreliable, as metrics indicate poor data quality at this position in the gnomAD database. This missense change has been observed in individual(s) with a suspected diagnosis of hemophagocytic lymphohistiocytosis (PMID: 21881043). ClinVar contains an entry for this variant (Variation ID: 889282). Invitae Evidence Modeling of protein sequence and biophysical properties (such as structural, functional, and spatial information, amino acid conservation, physicochemical variation, residue mobility, and thermodynamic stability) indicates that this missense variant is not expected to disrupt UNC13D protein function with a negative predictive value of 80%. In summary, the available evidence is currently insufficient to determine the role of this variant in disease. Therefore, it has been classified as a Variant of Uncertain Significance.

Illumina Laboratory Services, Illumina
Classification: Uncertain significance for Familial hemophagocytic lymphohistiocytosis 3. Last evaluated: 2017-04-28. Review status: criteria provided, single submitter. Criteria: ICSL Variant Classification Criteria 13 December 2019. Collection method: clinical testing. Allele origin: germline.
Comment: This variant was observed as part of a predisposition screen in an ostensibly healthy population. A literature search was performed for the gene, cDNA change, and amino acid change (where applicable). Publications were found based on this search. However, the evidence from the literature, in combination with allele frequency data from public databases where available, was not sufficient to rule this variant in or out of causing disease. Therefore, this variant is classified as a variant of unknown significance.

Literature cited by the submitters: PubMed 21881043 (cited by Labcorp Genetics (formerly Invitae), Labcorp and Illumina Laboratory Services, Illumina).